The following is an entry in ClinVar:

ClinVar aggregate classification (germline): Uncertain significance (1 of 4 stars; one submission).

Conditions:
Primary ciliary dyskinesia 6. Also called: Primary Ciliary Dyskinesia 6: TXNDC3-Related Primary Ciliary Dyskinesia. Identifiers: Orphanet 244, MedGen C1970506, MONDO:0012571, OMIM 610852.

gnomAD v4.1: 6 of 1,613,760 alleles (0.00037%); highest among the groups gnomAD compares: African/African-American, 0.0053%; no homozygotes.

Submission:

Labcorp Genetics (formerly Invitae), Labcorp
Classification: Uncertain significance for Primary ciliary dyskinesia 6. Last evaluated: 2024-12-29. Review status: criteria provided, single submitter. Criteria: Invitae Variant Classification Sherloc (09022015). Collection method: clinical testing. Allele origin: germline.
Comment: This sequence change replaces lysine, which is basic and polar, with arginine, which is basic and polar, at codon 545 of the NME8 protein (p.Lys545Arg). This variant is present in population databases (no rsID available, gnomAD 0.01%). This variant has not been reported in the literature in individuals affected with NME8-related conditions. Invitae Evidence Modeling of protein sequence and biophysical properties (such as structural, functional, and spatial information, amino acid conservation, physicochemical variation, residue mobility, and thermodynamic stability) indicates that this missense variant is not expected to disrupt NME8 protein function with a negative predictive value of 80%. In summary, the available evidence is currently insufficient to determine the role of this variant in disease. Therefore, it has been classified as a Variant of Uncertain Significance.

NM_016616.5(NME8):c.1634A>G (p.Lys545Arg)

Gene: NME8 (NME/NM23 family member 8; plus strand). Cytogenetic location: 7p14.1.
Variant type: single nucleotide variant.
Coding change: c.1634A>G on transcript NM_016616.5 (MANE Select); coding-DNA position 1634, A replaced by G.
Protein change: p.Lys545Arg; replaces lysine 545 with arginine.
Molecular consequence: missense variant.
Genome position (GRCh38, 1-based): chr7:37,896,959, A>G. VCF-style: chr7-37896959-A-G. GRCh37 (hg19) VCF-style: chr7-37936561-A-G.
Other names: short protein forms K545R.
Identifiers: ClinVar variation 3710682 (VCV003710682.2).